The following is an entry in ClinVar:

ClinVar aggregate classification (germline): Pathogenic (1 of 4 stars; one submission).

Conditions:
Hereditary spastic paraplegia 15 (SPG15). Also called: SPASTIC PARAPLEGIA 15, AUTOSOMAL RECESSIVE; KJELLIN SYNDROME; SPASTIC PARAPLEGIA AND RETINAL DEGENERATION. Identifiers: Orphanet 100996, MedGen C1849128, MONDO:0010044, OMIM 270700.

Submission:

Myriad Genetics, Inc.
Classification: Pathogenic for Hereditary spastic paraplegia 15. Last evaluated: 2024-07-25. Review status: criteria provided, single submitter. Criteria: Myriad Autosomal Dominant, Autosomal Recessive and X-Linked Classification Criteria (2023). Collection method: clinical testing. Allele origin: unknown.
Comment: NM_015346.3(ZFYVE26):c.4094delT(L1365Rfs*25) is expected to be pathogenic in the context of spastic paraplegia type 15. This variant is predicted to lead to an abnormal or absent protein product due to the creation of a premature termination codon in ZFYVE26, a gene where loss-of-function variants are known to be pathogenic. Please note: this variant was assessed in the context of healthy population screening.

NM_015346.4(ZFYVE26):c.4094del (p.Leu1365fs)

Gene: ZFYVE26 (zinc finger FYVE-type containing 26; minus strand). Cytogenetic location: 14q24.1.
Variant type: Deletion.
Coding change: c.4094del on transcript NM_015346.4 (MANE Select); coding-DNA position 4094, one base deleted (T; older notation c.4094delT).
Protein change: p.Leu1365fs; shifts the reading frame from leucine 1365.
Molecular consequence: frameshift variant.
Genome position (GRCh38, 1-based): chr14:67,783,058, A deleted on the plus strand (T on the coding strand, the reverse complement: ZFYVE26 is on the minus strand). VCF-style (leftmost placement, unchanged base first): chr14-67783057-CA-C. GRCh37 (hg19) VCF-style: chr14-68249774-CA-C.
Other names: short protein forms L1365fs.
Identifiers: ClinVar variation 5013366 (VCV005013366.1).